The following is an entry in ClinVar:

NM_001382391.1(CSPP1):c.3368_3371del (p.Leu1122_Ser1123insTer)

Genes: ARFGEF1 (ARF guanine nucleotide exchange factor 1; minus strand), CSPP1 (centrosome and spindle pole associated protein 1; plus strand). Cytogenetic location: 8q13.2.
Variant type: Microsatellite.
Coding change: c.3368_3371del on transcript NM_001382391.1 (MANE Select); coding-DNA positions 3368 to 3371, 4 bases deleted (CTCT; older notation c.3368_3371delCTCT).
Protein change: p.Leu1122_Ser1123insTer.
Molecular consequence: nonsense. On other transcripts: intron variant (3).
Genome position (GRCh38, 1-based): chr8:67,193,501-67,193,504, CTCT deleted; deleting any 4 consecutive bases within chr8:67,193,496-67,193,504 gives the same sequence; the c. name uses the placement nearest the transcript's 3' end. VCF-style (leftmost placement, unchanged base first): chr8-67193495-GTCTC-G. GRCh37 (hg19) VCF-style: chr8-68105730-GTCTC-G.
Other names: c.2318_2321del, p.Leu772_Ser773insTer (NM_001291339.2); c.3287_3290del, p.Leu1095_Ser1096insTer (NM_001363131.2); c.3173_3176del, p.Leu1057_Ser1058insTer (NM_001363132.2); c.3092_3095del, p.Leu1030_Ser1031insTer (NM_001363133.2); c.3434_3437del, p.Leu1144_Ser1145insTer (NM_001364869.1); c.3254_3257del, p.Leu1084_Ser1085insTer (NM_001364870.1); c.3200_3203del, p.Leu1066_Ser1067insTer (NM_001438330.1); c.2669_2672del, p.Leu889_Ser890insTer (NM_001438332.1); and 4 more.
Identifiers: ClinVar variation 1455984 (VCV001455984.6), dbSNP rs1206214608, ClinGen allele CA854507268.

ClinVar aggregate classification (germline): Pathogenic/Likely pathogenic. Review status: criteria provided, multiple submitters, no conflicts (2 of 4 stars). 2 submissions from 2 submitters: Pathogenic (1); Likely pathogenic (1). Last evaluated 2024-06-18.

Conditions:
CSPP1-related disorder. Also called: CSPP1-related condition.
Joubert syndrome 21 (JBTS21). Identifiers: MedGen C3810212, MONDO:0014288, OMIM 615636.

Submissions (2):

Blueprint Genetics
Classification: Likely pathogenic for CSPP1-related disorders. Last evaluated: 2024-06-18. Review status: criteria provided, single submitter. Criteria: ACMG Guidelines, 2015. Collection method: clinical testing. Allele origin: germline. Affected: yes. Observed: 5 variant alleles.

Labcorp Genetics (formerly Invitae), Labcorp
Classification: Pathogenic for Joubert syndrome 21. Last evaluated: 2021-10-04. Review status: criteria provided, single submitter. Criteria: Invitae Variant Classification Sherloc (09022015). Collection method: clinical testing. Allele origin: germline.
Comment: For these reasons, this variant has been classified as Pathogenic. This variant has not been reported in the literature in individuals with CSPP1-related conditions. This variant is not present in population databases (ExAC no frequency). This sequence change creates a premature translational stop signal (p.Ser1118*) in the CSPP1 gene. It is expected to result in an absent or disrupted protein product. Loss-of-function variants in CSPP1 are known to be pathogenic (PMID: 24360807, 24360808).

Literature cited by the submitters: PubMed 24360807 (cited by Labcorp Genetics (formerly Invitae), Labcorp); PubMed 24360808 (cited by Labcorp Genetics (formerly Invitae), Labcorp).